The following is an entry in ClinVar:

ClinVar aggregate classification (germline): Benign/Likely benign. Review status: criteria provided, multiple submitters, no conflicts (2 of 4 stars). 3 submissions from 3 submitters: Benign (1); Likely benign (2). Last evaluated 2024-12-20.

Conditions:
Hereditary cancer-predisposing syndrome. Also called: Neoplastic Syndromes, Hereditary; Tumor predisposition; Hereditary Cancer Syndrome; Hereditary neoplastic syndrome. Identifiers: Orphanet 140162, MedGen C0027672, MeSH D009386, MONDO:0015356.
Lynch syndrome. Identifiers: Orphanet 144, MedGen C4552100, MONDO:0005835. Disease mechanism: loss of function.
Lynch syndrome 5 (LYNCH5). Also called: Colorectal cancer, hereditary nonpolyposis, type 5; Hereditary non-polyposis colorectal cancer, type 5. Identifiers: Orphanet 144, MedGen C1833477, MONDO:0013710, OMIM 614350. Disease mechanism: loss of function.

Allele frequency attached by ClinVar (database versions not stated): gnomAD exomes below 0.00001.

Submissions (3):

Myriad Genetics, Inc.
Classification: Benign for Lynch syndrome 5. Last evaluated: 2024-12-20. Review status: criteria provided, single submitter. Criteria: Myriad Autosomal Dominant, Autosomal Recessive and X-Linked Classification Criteria (2023). Collection method: clinical testing. Allele origin: unknown.
Comment: This variant is considered benign. This variant is a silent/synonymous amino acid change and it is not expected to impact splicing.

All of Us Research Program, National Institutes of Health
Classification: Likely benign for Lynch syndrome. Last evaluated: 2023-05-31. Review status: criteria provided, single submitter. Criteria: ACMG Guidelines, 2015. Collection method: clinical testing. Allele origin: germline. Inheritance: Autosomal dominant inheritance. Observed: 1 variant allele, 1 heterozygote.
Comment: This study involves interpretation of variants in research participants for the purpose of population health screening. Participant phenotype was not available at the time of variant classification. Additional details can be found in publication PMID: 35346344, PMCID: PMC8962531

Ambry Genetics
Classification: Likely benign for Hereditary cancer-predisposing syndrome. Last evaluated: 2021-07-20. Review status: criteria provided, single submitter. Criteria: Ambry Variant Classification Scheme 2023. Collection method: clinical testing. Allele origin: germline.

NM_000179.3(MSH6):c.900G>C (p.Arg300=)

Gene: MSH6 (mutS homolog 6; plus strand). Cytogenetic location: 2p16.3.
Variant type: single nucleotide variant.
Coding change: c.900G>C on transcript NM_000179.3 (MANE Select); coding-DNA position 900, G replaced by C.
Protein change: p.Arg300=; no amino-acid change (arginine 300 retained).
Molecular consequence: synonymous variant. On other transcripts: 5 prime UTR variant (9), non-coding transcript variant (4), intron variant (1).
Genome position (GRCh38, 1-based): chr2:47,798,883, G>C. VCF-style: chr2-47798883-G-C. GRCh37 (hg19) VCF-style: chr2-48026022-G-C.
Other names: c.510G>C, p.Arg170= (NM_001281492.2); c.-7G>C (NM_001281493.2, NM_001281494.2, NM_001406811.1 and 6 more transcripts); c.996G>C, p.Arg332= (NM_001406795.1, NM_001406802.1); c.900G>C, p.Arg300= (NM_001406796.1, NM_001406798.1, NM_001406800.1 and 4 more transcripts); c.603G>C, p.Arg201= (NM_001406797.1, NM_001406801.1, NM_001406805.1 and 10 more transcripts); c.375G>C, p.Arg125= (NM_001406799.1, NM_001406806.1, NM_001406807.1); c.822G>C, p.Arg274= (NM_001406804.1); c.906G>C, p.Arg302= (NM_001406813.1); and 2 more.
Identifiers: ClinVar variation 1765470 (VCV001765470.4), dbSNP rs1572720790, ClinGen allele CA426120987.
Genomic context (GRCh38, chr2:47,798,883, plus strand): 5'-TGGAGTGGGGGATAGTGAGAGTGAAGGCCTGAACAGCCCTGTCAAAGTTGCTCGAAAGCG[G>C]AAGAGAATGGTGACTGGAAATGGCTCTCTTAAAAGGAAAAGCTCTAGGAAGGAAACGCCC-3'
Protein context (NP_000170.1, residues 290-310): LNSPVKVARK[Arg300=]KRMVTGNGSL